The following is an entry in ClinVar:

NM_017514.5(PLXNA3):c.4803G>A (p.Leu1601=)

Gene: PLXNA3 (plexin A3; plus strand). Cytogenetic location: Xq28.
Variant type: single nucleotide variant.
Coding change: c.4803G>A on transcript NM_017514.5 (MANE Select); coding-DNA position 4803, G replaced by A.
Protein change: p.Leu1601=; no amino-acid change (leucine 1601 retained).
Molecular consequence: synonymous variant.
Genome position (GRCh38, 1-based): chrX:154,469,984, G>A. VCF-style: chrX-154469984-G-A. GRCh37 (hg19) VCF-style: chrX-153698327-G-A.
Identifiers: ClinVar variation 3357739 (VCV003357739.1).

ClinVar aggregate classification (germline): Likely benign (0 of 4 stars; one submission).

Conditions:
PLXNA3-related disorder. Also called: PLXNA3-related condition.

gnomAD v4.1: 25 of 1,209,688 alleles (0.0021%); highest among the groups gnomAD compares: Non-Finnish European, 0.0027%; no homozygotes.

Submission:

PreventionGenetics, part of Exact Sciences
Classification: Likely benign for PLXNA3-related condition. Last evaluated: 2023-04-20. Review status: no assertion criteria provided. Collection method: clinical testing. Allele origin: germline.
Comment: This variant is classified as likely benign based on ACMG/AMP sequence variant interpretation guidelines (Richards et al. 2015 PMID: 25741868, with internal and published modifications).